The following is an entry in ClinVar:

NM_001854.4(COL11A1):c.1514A>G (p.Lys505Arg)

Gene: COL11A1 (collagen type XI alpha 1 chain; minus strand). Cytogenetic location: 1p21.1.
Variant type: single nucleotide variant.
Coding change: c.1514A>G on transcript NM_001854.4 (MANE Select); coding-DNA position 1514, A replaced by G.
Protein change: p.Lys505Arg; replaces lysine 505 with arginine.
Molecular consequence: missense variant. On other transcripts: non-coding transcript variant (1).
Genome position (GRCh38, 1-based): chr1:103,014,569, T>C on the plus strand (A>G on the coding strand, the complement: COL11A1 is on the minus strand). VCF-style: chr1-103014569-T-C. GRCh37 (hg19) VCF-style: chr1-103480125-T-C.
Other names: c.1166A>G, p.Lys389Arg (NM_001168249.1, NM_080630.4); c.1397A>G, p.Lys466Arg (NM_001190709.2); c.1550A>G, p.Lys517Arg (NM_080629.3); short protein forms K466R, K517R, K389R, K505R.
Identifiers: ClinVar variation 2012810 (VCV002012810.4), dbSNP rs2525490342, ClinGen allele CA341179168.

ClinVar aggregate classification (germline): Uncertain significance (1 of 4 stars; one submission).

Submission:

Labcorp Genetics (formerly Invitae), Labcorp
Classification: Uncertain significance. Last evaluated: 2022-07-01. Review status: criteria provided, single submitter. Criteria: Invitae Variant Classification Sherloc (09022015). Collection method: clinical testing. Allele origin: germline.
Comment: This sequence change replaces lysine, which is basic and polar, with arginine, which is basic and polar, at codon 505 of the COL11A1 protein (p.Lys505Arg). In summary, the available evidence is currently insufficient to determine the role of this variant in disease. Therefore, it has been classified as a Variant of Uncertain Significance. Advanced modeling of protein sequence and biophysical properties (such as structural, functional, and spatial information, amino acid conservation, physicochemical variation, residue mobility, and thermodynamic stability) performed at Invitae indicates that this missense variant is not expected to disrupt COL11A1 protein function. This variant has not been reported in the literature in individuals affected with COL11A1-related conditions. This variant is not present in population databases (gnomAD no frequency).